The following is an entry in ClinVar:

NM_000419.5(ITGA2B):c.2148G>A (p.Val716=)

Gene: ITGA2B (integrin subunit alpha 2b; minus strand). Cytogenetic location: 17q21.31.
Variant type: single nucleotide variant.
Coding change: c.2148G>A on transcript NM_000419.5 (MANE Select); coding-DNA position 2148, G replaced by A.
Protein change: p.Val716=; no amino-acid change (valine 716 retained).
Molecular consequence: synonymous variant.
Genome position (GRCh38, 1-based): chr17:44,377,737, C>T on the plus strand (G>A on the coding strand, the complement: ITGA2B is on the minus strand). VCF-style: chr17-44377737-C-T. GRCh37 (hg19) VCF-style: chr17-42455105-C-T.
Identifiers: ClinVar variation 4535902 (VCV004535902.2).

ClinVar aggregate classification (germline): Likely benign. Review status: criteria provided, multiple submitters, no conflicts (2 of 4 stars). 2 submissions from 2 submitters: Likely benign (2). Last evaluated 2025-09-02.

Conditions:
Glanzmann thrombasthenia. Also called: PLATELET GLYCOPROTEIN IIb-IIIa DEFICIENCY; Glanzmann's thrombasthenia; BLEEDING DISORDER, PLATELET-TYPE, 2; THROMBASTHENIA OF GLANZMANN AND NAEGELI; Thrombasthenia. Identifiers: Orphanet 849, MedGen C0040015, MONDO:0100326.

gnomAD v4.1: 15 of 1,613,988 alleles (0.00093%); highest among the groups gnomAD compares: East Asian, 0.0022%; no homozygotes.

Submissions (2):

Women's Health and Genetics/Laboratory Corporation of America, LabCorp
Classification: Likely benign. Last evaluated: 2025-09-02. Review status: criteria provided, single submitter. Criteria: LabCorp Variant Classification Summary - May 2015. Collection method: clinical testing. Allele origin: germline.
Comment: Variant summary: ITGA2B c.2148G>A alters a conserved nucleotide resulting in a synonymous change. Consensus agreement among computation tools predict no significant impact on normal splicing. However, these predictions have yet to be confirmed by functional studies. The variant allele was found at a frequency of 4e-06 in 251354 control chromosomes. The available data on variant occurrences in the general population are insufficient to allow any conclusion about variant significance. To our knowledge, no occurrence of c.2148G>A in individuals affected with ITGA2B-related conditions and no experimental evidence demonstrating its impact on protein function have been reported. No submitters have cited clinical-significance assessments for this variant to ClinVar. Based on the evidence outlined above, the variant was classified as likely benign.

Labcorp Genetics (formerly Invitae), Labcorp
Classification: Likely benign for Glanzmann thrombasthenia. Last evaluated: 2025-02-13. Review status: criteria provided, single submitter. Criteria: Invitae Variant Classification Sherloc (09022015). Collection method: clinical testing. Allele origin: germline.